The following is an entry in ClinVar:

ClinVar aggregate classification (germline): Likely benign. Review status: criteria provided, multiple submitters, no conflicts (2 of 4 stars). 4 submissions from 4 submitters: Likely benign (3). 1 of the submissions does not count toward it. Last evaluated 2025-07-31.

Conditions:
SCLT1-related disorder. Also called: SCLT1-related condition.

Allele frequency attached by ClinVar (database versions not stated): gnomAD 0.00002 and 0.00003; gnomAD exomes 0.00007 and 0.00015; TOPMed 0.00014; 1000 Genomes Project 30x 0.00016; ExAC 0.00018; 1000 Genomes Project 0.00020.
gnomAD v4.1: 110 of 1,613,464 alleles (0.0068%); highest among the groups gnomAD compares: Middle Eastern, 0.066%; no homozygotes.

Submissions (4):

Labcorp Genetics (formerly Invitae), Labcorp
Classification: Likely benign. Last evaluated: 2025-07-31. Review status: criteria provided, single submitter. Criteria: Invitae Variant Classification Sherloc (09022015). Collection method: clinical testing. Allele origin: germline.

Blueprint Genetics
Classification: Likely benign. Last evaluated: 2024-10-15. Review status: criteria provided, single submitter. Criteria: ACMG Guidelines, 2015. Collection method: clinical testing. Allele origin: germline.

Breakthrough Genomics
Classification: Likely benign. Review status: criteria provided, single submitter. Criteria: ACMG Guidelines, 2015. Collection method: not provided. Allele origin: germline. Inheritance: Unknown mechanism. Affected: yes.

PreventionGenetics, part of Exact Sciences
Classification: Likely benign for SCLT1-related condition. Last evaluated: 2024-08-10. Review status: no assertion criteria provided. Collection method: clinical testing. Allele origin: germline. Not counted in ClinVar's aggregate classification.
Comment: This variant is classified as likely benign based on ACMG/AMP sequence variant interpretation guidelines (Richards et al. 2015 PMID: 25741868, with internal and published modifications).

NM_144643.4(SCLT1):c.1956A>G (p.Gln652=)

Gene: SCLT1 (sodium channel and clathrin linker 1; minus strand). Cytogenetic location: 4q28.2.
Variant type: single nucleotide variant.
Coding change: c.1956A>G on transcript NM_144643.4 (MANE Select); coding-DNA position 1956, A replaced by G.
Protein change: p.Gln652=; no amino-acid change (glutamine 652 retained).
Molecular consequence: synonymous variant.
Genome position (GRCh38, 1-based): chr4:128,888,727, T>C on the plus strand (A>G on the coding strand, the complement: SCLT1 is on the minus strand). VCF-style: chr4-128888727-T-C. GRCh37 (hg19) VCF-style: chr4-129809882-T-C.
Other names: c.1956A>G (NM_144643.3).
Identifiers: ClinVar variation 1571741 (VCV001571741.11), dbSNP rs147272290, ClinGen allele CA3079462.